The following is an entry in ClinVar:

NM_000719.7(CACNA1C):c.5444+599C>A

Genes: CACNA1C (calcium voltage-gated channel subunit alpha1 C; plus strand), CACNA1C-AS1 (CACNA1C antisense RNA 1; minus strand). Cytogenetic location: 12p13.33.
Variant type: single nucleotide variant.
Coding change: c.5444+599C>A on transcript NM_000719.7 (MANE Select); 599 bases into the intron after coding-DNA position 5444, C replaced by A.
Molecular consequence: intron variant. On other transcripts: missense variant (1).
Genome position (GRCh38, 1-based): chr12:2,680,395, C>A. VCF-style: chr12-2680395-C-A. GRCh37 (hg19) VCF-style: chr12-2789561-C-A.
Other names: c.5444C>A, p.Thr1815Asn (NM_001167625.2); c.5444+599C>A (NM_001167624.3, NM_001167623.2, NM_001129840.2 and 4 more transcripts); c.5588+599C>A (NM_199460.4, NM_001129827.2); c.5504+599C>A (NM_001129832.2); c.5528+599C>A (NM_001129831.2); c.5501+599C>A (NM_001129833.2, NM_001129834.2, NM_001129835.2); c.5567+599C>A (NM_001129829.2); c.5468+599C>A (NM_001129837.2, NM_001129838.2); and 5 more; short protein forms T1815N.
Identifiers: ClinVar variation 191426 (VCV000191426.52), dbSNP rs551355331, ClinGen allele CA236623.

ClinVar aggregate classification (germline): Conflicting classifications of pathogenicity. Review status: criteria provided, conflicting classifications (1 of 4 stars). 8 submissions from 8 submitters: Uncertain significance (5); Likely benign (3). Last evaluated 2026-08-17.

Conditions:
CACNA1C-related disorder. Also called: CACNA1C-related condition; CACNA1C-related disorders. Identifiers: MedGen CN381092, MONDO:0700321.

Allele frequency attached by ClinVar (database versions not stated): TOPMed 0.00013; gnomAD 0.00015; gnomAD exomes 0.00018; ExAC 0.00026.
gnomAD v4.1: 300 of 1,559,234 alleles (0.019%); highest among the groups gnomAD compares: Middle Eastern, 0.05%; no homozygotes.

Submissions (8):

PreventionGenetics, part of Exact Sciences
Classification: Uncertain significance for CACNA1C-related condition. Last evaluated: 2026-08-17. Review status: criteria provided, single submitter. Criteria: ACMG Guidelines, 2015. Collection method: clinical testing. Allele origin: germline.
Comment: The CACNA1C c.5444C>A variant is predicted to result in the amino acid substitution p.Thr1815Asn. To our knowledge, this variant has not been reported in the literature. This variant is reported in 0.026% of alleles in individuals of European (Non-Finnish) descent in gnomAD. Although we suspect that this variant may be benign, at this time, the clinical significance of this variant is uncertain due to the absence of conclusive functional and genetic evidence.

GeneDx
Classification: Uncertain significance. Last evaluated: 2025-09-10. Review status: criteria provided, single submitter. Criteria: GeneDx Variant Classification Process June 2021. Collection method: clinical testing. Allele origin: germline. Affected: yes.
Comment: In silico analysis supports that this missense variant does not alter protein structure/function; Has not been previously published in association with CACNA1C-related disorders to our knowledge; Reported using an alternate transcript of the gene; This variant is associated with the following publications: (PMID: 25650408)

Molecular Diagnostic Laboratory for Inherited Cardiovascular Disease, Montreal Heart Institute
Classification: Likely benign. Last evaluated: 2025-04-09. Review status: criteria provided, single submitter. Criteria: ACMG Guidelines, 2015. Collection method: clinical testing. Allele origin: germline. Affected: no.
Comment: BS1;BP4

Laboratory of Genetics, Children's Clinical University Hospital Latvia
Classification: Likely benign. Last evaluated: 2025-02-16. Review status: criteria provided, single submitter. Criteria: ACMG Guidelines, 2015. Collection method: clinical testing. Allele origin: germline. Affected: yes.

Blueprint Genetics
Classification: Likely benign. Last evaluated: 2024-09-20. Review status: criteria provided, single submitter. Criteria: ACMG Guidelines, 2015. Collection method: clinical testing. Allele origin: germline.

CeGaT Center for Human Genetics Tuebingen
Classification: Uncertain significance. Last evaluated: 2019-05-01. Review status: criteria provided, single submitter. Criteria: CeGaT Center For Human Genetics Tuebingen Variant Classification Criteria Version 2. Collection method: clinical testing. Allele origin: germline. Affected: yes. Observed: 1 variant allele.

Biesecker Lab/Clinical Genomics Section, National Institutes of Health
Classification: Uncertain significance. Last evaluated: 2013-06-24. Review status: criteria provided, single submitter. Criteria: Ng et al. (Circ Cardiovasc Genet. 2013). Collection method: research. Allele origin: unknown. Observed: 1 variant allele. Study: ClinSeq.
Comment: The study set was not selected for affection status in relation to any cancer. Pathogenicity categories were based on literature curation. See Pubmed ID:23861362 for details.

Medical sequencing

Breakthrough Genomics
Classification: Uncertain significance. Review status: criteria provided, single submitter. Criteria: ACMG Guidelines, 2015. Collection method: not provided. Allele origin: germline. Inheritance: Autosomal dominant inheritance. Affected: yes.